The following is an entry in ClinVar:

ClinVar aggregate classification (germline): Uncertain significance (1 of 4 stars; one submission).

Conditions:
Renal cell carcinoma. Identifiers: Orphanet 217071, MedGen C0007134, MeSH D002292, MONDO:0005086, HP:0005584.

Submission:

Labcorp Genetics (formerly Invitae), Labcorp
Classification: Uncertain significance for Renal cell carcinoma. Last evaluated: 2023-09-25. Review status: criteria provided, single submitter. Criteria: Invitae Variant Classification Sherloc (09022015). Collection method: clinical testing. Allele origin: germline.
Comment: This sequence change replaces lysine, which is basic and polar, with glutamic acid, which is acidic and polar, at codon 974 of the MET protein (p.Lys974Glu). This variant is not present in population databases (gnomAD no frequency). This variant has not been reported in the literature in individuals affected with MET-related conditions. An algorithm developed to predict the effect of missense changes on protein structure and function (PolyPhen-2) suggests that this variant is likely to be tolerated. In summary, the available evidence is currently insufficient to determine the role of this variant in disease. Therefore, it has been classified as a Variant of Uncertain Significance.

NM_000245.4(MET):c.2866A>G (p.Lys956Glu)

Gene: MET (MET proto-oncogene, receptor tyrosine kinase; plus strand). Cytogenetic location: 7q31.2.
Variant type: single nucleotide variant.
Coding change: c.2866A>G on transcript NM_000245.4 (MANE Select); coding-DNA position 2866, A replaced by G.
Protein change: p.Lys956Glu; replaces lysine 956 with glutamic acid.
Molecular consequence: missense variant.
Genome position (GRCh38, 1-based): chr7:116,771,633, A>G. VCF-style: chr7-116771633-A-G. GRCh37 (hg19) VCF-style: chr7-116411687-A-G.
Other names: c.2920A>G, p.Lys974Glu (NM_001127500.3); c.1576A>G, p.Lys526Glu (NM_001324402.2); short protein forms K526E, K956E, K974E.
Identifiers: ClinVar variation 2763289 (VCV002763289.3), dbSNP rs2116993085, ClinGen allele CA368986733.